The following is an entry in ClinVar:

NM_020376.4(PNPLA2):c.1237G>A (p.Ala413Thr)

Gene: PNPLA2 (patatin like domain 2, triacylglycerol lipase; plus strand). Cytogenetic location: 11p15.5.
Variant type: single nucleotide variant.
Coding change: c.1237G>A on transcript NM_020376.4 (MANE Select); coding-DNA position 1237, G replaced by A.
Protein change: p.Ala413Thr; replaces alanine 413 with threonine.
Molecular consequence: missense variant.
Genome position (GRCh38, 1-based): chr11:824,584, G>A. VCF-style: chr11-824584-G-A. GRCh37 (hg19) VCF-style: chr11-824584-G-A.
Other names: p.Ala413Thr; short protein forms A413T.
Identifiers: ClinVar variation 465781 (VCV000465781.17), dbSNP rs147465559, ClinGen allele CA5791348.
Genomic context (GRCh38, chr11:824,584, plus strand): 5'-CTGCCGGAGCAGGTGGAGCTGCGCCGCGTCCAGTCGCTGCCGTCCGTGCCGCTGTCCTGC[G>A]CCGCCTACAGAGAGGCACTGCCCGGCTGGATGCGCAACAACCTCTCGCTGGGGGACGCGC-3'
Protein context (NP_065109.1, residues 403-423): QSLPSVPLSC[Ala413Thr]AYREALPGWM

ClinVar aggregate classification (germline): Conflicting classifications of pathogenicity. Review status: criteria provided, conflicting classifications (1 of 4 stars). 4 submissions from 4 submitters: Uncertain significance (1); Benign (3). Last evaluated 2026-01-07.

Conditions:
Neutral lipid storage myopathy (NLSDM). Also called: NEUTRAL LIPID STORAGE DISEASE WITHOUT ICHTHYOSIS. Identifiers: Orphanet 98908, MedGen C1853136, MONDO:0012545, OMIM 610717.
Inborn genetic diseases. Identifiers: MedGen C0950123, MeSH D030342.

Allele frequency attached by ClinVar (database versions not stated): gnomAD exomes 0.00025 and 0.00065; ExAC 0.00176; ESP Exome Variant Server 0.00187; gnomAD 0.00208 and 0.00212; TOPMed 0.00224; 1000 Genomes Project 30x 0.00484; 1000 Genomes Project 0.00579.
gnomAD v4.1: 687 of 1,581,082 alleles (0.043%); highest among the groups gnomAD compares: African/African-American, 0.71%; 4 homozygotes.

Submissions (4):

Labcorp Genetics (formerly Invitae), Labcorp
Classification: Benign for Neutral lipid storage myopathy. Last evaluated: 2026-01-07. Review status: criteria provided, single submitter. Criteria: Invitae Variant Classification Sherloc (09022015). Collection method: clinical testing. Allele origin: germline.

Ambry Genetics
Classification: Uncertain significance for Inborn genetic diseases. Last evaluated: 2025-12-03. Review status: criteria provided, single submitter. Criteria: Ambry Variant Classification Scheme 2023. Collection method: clinical testing. Allele origin: germline.

Mayo Clinic Laboratories, Mayo Clinic
Classification: Benign. Last evaluated: 2024-02-29. Review status: criteria provided, single submitter. Criteria: ACMG Guidelines, 2015. Collection method: clinical testing. Allele origin: germline. Observed: 4 variant alleles.
Comment: BS1, BS2, BP4

Illumina Laboratory Services, Illumina
Classification: Benign for Neutral lipid storage myopathy. Last evaluated: 2018-01-13. Review status: criteria provided, single submitter. Criteria: ICSL Variant Classification Criteria 13 December 2019. Collection method: clinical testing. Allele origin: germline.
Comment: This variant was observed in the ICSL laboratory as part of a predisposition screen in an ostensibly healthy population. It had not been previously curated by ICSL or reported in the Human Gene Mutation Database (HGMD: prior to June 1st, 2018), and was therefore a candidate for classification through an automated scoring system. Utilizing variant allele frequency, disease prevalence and penetrance estimates, and inheritance mode, an automated score was calculated to assess if this variant is too frequent to cause the disease. Based on the score and internal cut-off values, a variant classified as benign is not then subjected to further curation. The score for this variant resulted in a classification of benign for this disease.